The following is an entry in ClinVar:

ClinVar aggregate classification (germline): other (0 of 4 stars; one submission).

Conditions:
Familial colorectal cancer. Identifiers: MedGen CN280943, MONDO:0023113. Disease mechanism: loss of function.

Allele frequency attached by ClinVar (database versions not stated): gnomAD 0.00001.
gnomAD v4.1: 1 of 152,094 alleles (0.00066%); highest among the groups gnomAD compares: African/African-American, 0.0024%; no homozygotes.

Submission:

Systems Biology Platform Zhejiang California International NanoSystems Institute
Classification: other for Familial colorectal cancer. Review status: no assertion criteria provided. Collection method: not provided. Allele origin: unknown.
ClinVar note: Converted during submission from cancer to other.

NM_000038.6(APC):c.834+3510A>G

Gene: APC (APC regulator of WNT signaling pathway; plus strand). Cytogenetic location: 5q22.2.
Variant type: single nucleotide variant.
Coding change: c.834+3510A>G on transcript NM_000038.6 (MANE Select); 3510 bases into the intron after coding-DNA position 834, A replaced by G.
Molecular consequence: intron variant.
Genome position (GRCh38, 1-based): chr5:112,804,893, A>G. VCF-style: chr5-112804893-A-G. GRCh37 (hg19) VCF-style: chr5-112140590-A-G.
Other names: c.834+3510A>G (NM_001354895.2, NM_001127510.3, NM_001354896.2 and 1 more transcripts); c.864+3510A>G (NM_001354897.2, NM_001354902.2); c.780+3510A>G (NM_001127511.3); c.759+3510A>G (NM_001354898.2, NM_001354904.2); c.-202+3510A>G (NM_001354906.2); c.750+3510A>G (NM_001354899.2); c.657+3510A>G (NM_001354900.2, NM_001354901.2, NM_001354905.2).
Identifiers: ClinVar variation 83053 (VCV000083053.2), dbSNP rs77583253, ClinGen allele CA014737.
Genomic context (GRCh38, chr5:112,804,893, plus strand): 5'-AAAAAAATAAAAATTAGCCGTGTGTGGTAGTCCCAGCTACTTGGGAGGCCGTGTGGGAGG[A>G]TCACTTGAGCCTGGGAGGTCAAGGCTGCAGTGGGCTATGATCATGCCACTGCATTCCAGC-3'